The following is an entry in ClinVar:

NM_032119.4(ADGRV1):c.9407C>T (p.Ser3136Phe)

Gene: ADGRV1 (adhesion G protein-coupled receptor V1; plus strand). Cytogenetic location: 5q14.3.
Variant type: single nucleotide variant.
Coding change: c.9407C>T on transcript NM_032119.4 (MANE Select); coding-DNA position 9407, C replaced by T.
Protein change: p.Ser3136Phe; replaces serine 3136 with phenylalanine.
Molecular consequence: missense variant. On other transcripts: non-coding transcript variant (1).
Genome position (GRCh38, 1-based): chr5:90,716,689, C>T. VCF-style: chr5-90716689-C-T. GRCh37 (hg19) VCF-style: chr5-90012506-C-T.
Other names: c.9407C>T (NM_032119.3); short protein forms S3136F.
Identifiers: ClinVar variation 1937238 (VCV001937238.6), dbSNP rs1750149151, ClinGen allele CA360397693.

ClinVar aggregate classification (germline): Uncertain significance. Review status: criteria provided, multiple submitters, no conflicts (2 of 4 stars). 2 submissions from 2 submitters: Uncertain significance (2). Last evaluated 2025-12-02.

Conditions:
Inborn genetic diseases. Identifiers: MedGen C0950123, MeSH D030342.

Submissions (2):

Ambry Genetics
Classification: Uncertain significance for Inborn genetic diseases. Last evaluated: 2025-12-02. Review status: criteria provided, single submitter. Criteria: Ambry Variant Classification Scheme 2023. Collection method: clinical testing. Allele origin: germline.

Labcorp Genetics (formerly Invitae), Labcorp
Classification: Uncertain significance. Last evaluated: 2024-12-03. Review status: criteria provided, single submitter. Criteria: Invitae Variant Classification Sherloc (09022015). Collection method: clinical testing. Allele origin: germline.
Comment: This sequence change replaces serine, which is neutral and polar, with phenylalanine, which is neutral and non-polar, at codon 3136 of the ADGRV1 protein (p.Ser3136Phe). This variant is not present in population databases (gnomAD no frequency). This variant has not been reported in the literature in individuals affected with ADGRV1-related conditions. ClinVar contains an entry for this variant (Variation ID: 1937238). Invitae Evidence Modeling of protein sequence and biophysical properties (such as structural, functional, and spatial information, amino acid conservation, physicochemical variation, residue mobility, and thermodynamic stability) indicates that this missense variant is not expected to disrupt ADGRV1 protein function with a negative predictive value of 95%. In summary, the available evidence is currently insufficient to determine the role of this variant in disease. Therefore, it has been classified as a Variant of Uncertain Significance.